The following is an entry in ClinVar:

NM_001005273.3(CHD3):c.2471C>A (p.Ala824Asp)

Gene: CHD3 (chromodomain helicase DNA binding protein 3; plus strand). Cytogenetic location: 17p13.1.
Variant type: single nucleotide variant.
Coding change: c.2471C>A on transcript NM_001005273.3 (MANE Select); coding-DNA position 2471, C replaced by A.
Protein change: p.Ala824Asp; replaces alanine 824 with aspartic acid.
Molecular consequence: missense variant.
Genome position (GRCh38, 1-based): chr17:7,899,470, C>A. VCF-style: chr17-7899470-C-A. GRCh37 (hg19) VCF-style: chr17-7802788-C-A.
Other names: c.2648C>A, p.Ala883Asp (NM_001005271.3, NM_001437504.1); c.2636C>A, p.Ala879Asp (NM_001437507.1, NM_001437508.1, NM_001437509.1); c.2471C>A, p.Ala824Asp (NM_005852.4); short protein forms A824D, A879D, A883D.
Identifiers: ClinVar variation 4278871 (VCV004278871.1).

ClinVar aggregate classification (germline): Uncertain significance (1 of 4 stars; one submission).

Submission:

GeneDx
Classification: Uncertain significance. Last evaluated: 2025-04-04. Review status: criteria provided, single submitter. Criteria: GeneDx Variant Classification Process June 2021. Collection method: clinical testing. Allele origin: germline. Affected: yes.
Comment: Not observed at significant frequency in large population cohorts (gnomAD); In silico analysis supports that this missense variant has a deleterious effect on protein structure/function; Has not been previously published as pathogenic or benign to our knowledge